The following is an entry in ClinVar:

ClinVar aggregate classification (germline): Uncertain significance. Review status: criteria provided, multiple submitters, no conflicts (2 of 4 stars). 3 submissions from 3 submitters: Uncertain significance (3). Last evaluated 2023-05-19.

Conditions:
Inborn genetic diseases. Identifiers: MedGen C0950123, MeSH D030342.
L-2-hydroxyglutaric aciduria (L2HGA). Identifiers: Orphanet 79314, MedGen C1855995, MONDO:0009370, OMIM 236792, HP:0040144.

Allele frequency attached by ClinVar (database versions not stated): TOPMed 0.00002; ExAC 0.00003; gnomAD 0.00003; gnomAD exomes 0.00003 and 0.00009.
gnomAD v4.1: 131 of 1,609,212 alleles (0.0081%); highest among the groups gnomAD compares: Non-Finnish European, 0.011%; no homozygotes.

Submissions (3):

Blueprint Genetics
Classification: Uncertain significance. Last evaluated: 2023-05-19. Review status: criteria provided, single submitter. Criteria: ACMG Guidelines, 2015. Collection method: clinical testing. Allele origin: germline.

Labcorp Genetics (formerly Invitae), Labcorp
Classification: Uncertain significance for L-2-hydroxyglutaric aciduria. Last evaluated: 2021-12-02. Review status: criteria provided, single submitter. Criteria: Invitae Variant Classification Sherloc (09022015). Collection method: clinical testing. Allele origin: germline.
Comment: This sequence change replaces methionine, which is neutral and non-polar, with isoleucine, which is neutral and non-polar, at codon 349 of the L2HGDH protein (p.Met349Ile). This variant is present in population databases (rs746089124, gnomAD 0.007%). This variant has not been reported in the literature in individuals affected with L2HGDH-related conditions. Algorithms developed to predict the effect of missense changes on protein structure and function (SIFT, PolyPhen-2, Align-GVGD) all suggest that this variant is likely to be tolerated. In summary, the available evidence is currently insufficient to determine the role of this variant in disease. Therefore, it has been classified as a Variant of Uncertain Significance.

Ambry Genetics
Classification: Uncertain significance for Inborn genetic diseases. Last evaluated: 2021-10-12. Review status: criteria provided, single submitter. Criteria: Ambry Variant Classification Scheme 2023. Collection method: clinical testing. Allele origin: germline.

NM_024884.3(L2HGDH):c.1047G>A (p.Met349Ile)

Gene: L2HGDH (L-2-hydroxyglutarate dehydrogenase; minus strand). Cytogenetic location: 14q21.3.
Variant type: single nucleotide variant.
Coding change: c.1047G>A on transcript NM_024884.3 (MANE Select); coding-DNA position 1047, G replaced by A.
Protein change: p.Met349Ile; replaces methionine 349 with isoleucine.
Molecular consequence: missense variant.
Genome position (GRCh38, 1-based): chr14:50,267,770, C>T on the plus strand (G>A on the coding strand, the complement: L2HGDH is on the minus strand). VCF-style: chr14-50267770-C-T. GRCh37 (hg19) VCF-style: chr14-50734488-C-T.
Other names: c.1047G>A (NM_024884.2); short protein forms M349I.
Identifiers: ClinVar variation 1437078 (VCV001437078.5), dbSNP rs746089124, ClinGen allele CA7177820.